The following is an entry in ClinVar:

ClinVar aggregate classification (germline): Benign/Likely benign. Review status: criteria provided, multiple submitters, no conflicts (2 of 4 stars). 3 submissions from 3 submitters: Benign (2); Likely benign (1). Last evaluated 2023-04-01.

Allele frequency attached by ClinVar (database versions not stated): 1000 Genomes Project 0.00200; 1000 Genomes Project 30x 0.00234; gnomAD 0.00478 and 0.00498; TOPMed 0.00492; ESP Exome Variant Server 0.00700.
gnomAD v4.1: 9,896 of 1,614,200 alleles (0.61%); highest among the groups gnomAD compares: Non-Finnish European, 0.73%; 52 homozygotes.

Submissions (3):

CeGaT Center for Human Genetics Tuebingen
Classification: Likely benign. Last evaluated: 2023-04-01. Review status: criteria provided, single submitter. Criteria: CeGaT Center For Human Genetics Tuebingen Variant Classification Criteria Version 2. Collection method: clinical testing. Allele origin: germline. Affected: yes. Observed: 3 variant alleles.
Comment: AKAP13: BP4, BP7, BS2

Labcorp Genetics (formerly Invitae), Labcorp
Classification: Benign. Last evaluated: 2018-05-04. Review status: criteria provided, single submitter. Criteria: Invitae Variant Classification Sherloc (09022015). Collection method: clinical testing. Allele origin: germline.

Breakthrough Genomics
Classification: Benign. Review status: criteria provided, single submitter. Criteria: ACMG Guidelines, 2015. Collection method: not provided. Allele origin: germline. Inheritance: Unknown mechanism. Affected: yes.

NM_007200.5(AKAP13):c.3525G>A (p.Glu1175=)

Genes: AKAP13 (A-kinase anchoring protein 13; plus strand), LOC125138301 (Sharpr-MPRA regulatory region 6632; plus strand). Cytogenetic location: 15q25.3.
Variant type: single nucleotide variant.
Coding change: c.3525G>A on transcript NM_007200.5 (MANE Select); coding-DNA position 3525, G replaced by A.
Protein change: p.Glu1175=; no amino-acid change (glutamic acid 1175 retained).
Molecular consequence: synonymous variant.
Genome position (GRCh38, 1-based): chr15:85,581,593, G>A. VCF-style: chr15-85581593-G-A. GRCh37 (hg19) VCF-style: chr15-86124824-G-A.
Other names: c.3525G>A, p.Glu1175= (NM_006738.6).
Identifiers: ClinVar variation 778102 (VCV000778102.28), dbSNP rs115468498, ClinGen allele CA7712836.